The following is an entry in ClinVar:

ClinVar aggregate classification (germline): Uncertain significance. Review status: criteria provided, multiple submitters, no conflicts (2 of 4 stars). 7 submissions from 4 submitters: Uncertain significance (7). Last evaluated 2024-09-23.

Conditions:
Congenital myopathy 18. Also called: Myopathy, congenital, due to dihydropyridine receptor defect; DIHYDROPYRIDINE RECEPTOR CONGENITAL MYOPATHY; DHPR CONGENITAL MYOPATHY. Identifiers: MedGen C5830283, MONDO:0859514, OMIM 620246.
Inborn genetic diseases. Identifiers: MedGen C0950123, MeSH D030342.
Hypokalemic periodic paralysis, type 1. Also called: Hypokalemic Periodic Paralysis Type 1 (AD); HypoPP. Identifiers: Orphanet 681, MedGen C3714580, MONDO:0042979, OMIM 170400.
Malignant hyperthermia, susceptibility to, 5 (MHS5). Also called: CACNA1S-Related Malignant Hyperthermia Susceptibility. Identifiers: Orphanet 423, MedGen C1866077, MONDO:0011163, OMIM 601887.
Thyrotoxic periodic paralysis, susceptibility to, 1 (TTPP1). Identifiers: Orphanet 79102, MedGen C2749982, MONDO:0008570, OMIM 188580.

Allele frequency attached by ClinVar (database versions not stated): TOPMed below 0.00001; gnomAD exomes 0.00001.
gnomAD v4.1: 11 of 1,614,138 alleles (0.00068%); highest among the groups gnomAD compares: South Asian, 0.0011%; no homozygotes.

Submissions (7):

All of Us Research Program, National Institutes of Health
Classification: Uncertain significance for Malignant hyperthermia, susceptibility to, 5. Last evaluated: 2024-09-23. Review status: criteria provided, single submitter. Criteria: ACMG Guidelines, 2015. Collection method: clinical testing. Allele origin: germline. Inheritance: Autosomal dominant inheritance. Observed: 7 variant alleles, 7 heterozygotes.
Comment: This missense variant replaces serine with leucine at codon 243 of the CACNA1S protein. Computational prediction is inconclusive regarding the impact of this variant on protein structure and function (internally defined REVEL score threshold 0.5 < inconclusive < 0.7, PMID: 27666373). To our knowledge, functional studies have not been reported for this variant. This variant has not been reported in individuals affected with CACNA1S-related disorders in the literature. This variant has been identified in 2/250624 chromosomes in the general population by the Genome Aggregation Database (gnomAD). The available evidence is insufficient to determine the role of this variant in disease conclusively. Therefore, this variant is classified as a Variant of Uncertain Significance.

This study involves interpretation of variants in research participants for the purpose of population health screening. Participant phenotype was not available at the time of variant classification. Additional details can be found in publication PMID: 35346344, PMCID: PMC8962531

Genome-Nilou Lab
Classification: Uncertain significance for Malignant hyperthermia, susceptibility to, 5. Last evaluated: 2023-04-11. Review status: criteria provided, single submitter. Criteria: ACMG Guidelines, 2015. Collection method: clinical testing. Allele origin: germline. Affected: no.

Genome-Nilou Lab
Classification: Uncertain significance for Thyrotoxic periodic paralysis, susceptibility to, 1. Last evaluated: 2023-04-11. Review status: criteria provided, single submitter. Criteria: ACMG Guidelines, 2015. Collection method: clinical testing. Allele origin: germline. Affected: no.

Genome-Nilou Lab
Classification: Uncertain significance for Congenital myopathy 18. Last evaluated: 2023-04-11. Review status: criteria provided, single submitter. Criteria: ACMG Guidelines, 2015. Collection method: clinical testing. Allele origin: germline. Affected: no.

Genome-Nilou Lab
Classification: Uncertain significance for Hypokalemic periodic paralysis, type 1. Last evaluated: 2023-04-11. Review status: criteria provided, single submitter. Criteria: ACMG Guidelines, 2015. Collection method: clinical testing. Allele origin: germline. Affected: no.

Ambry Genetics
Classification: Uncertain significance for Inborn genetic diseases. Last evaluated: 2022-09-26. Review status: criteria provided, single submitter. Criteria: Ambry Variant Classification Scheme 2023. Collection method: clinical testing. Allele origin: germline.

Labcorp Genetics (formerly Invitae), Labcorp
Classification: Uncertain significance for Hypokalemic periodic paralysis, type 1; Malignant hyperthermia, susceptibility to, 5. Last evaluated: 2022-05-22. Review status: criteria provided, single submitter. Criteria: Invitae Variant Classification Sherloc (09022015). Collection method: clinical testing. Allele origin: germline.
Comment: In summary, the available evidence is currently insufficient to determine the role of this variant in disease. Therefore, it has been classified as a Variant of Uncertain Significance. Advanced modeling of protein sequence and biophysical properties (such as structural, functional, and spatial information, amino acid conservation, physicochemical variation, residue mobility, and thermodynamic stability) performed at Invitae indicates that this missense variant is not expected to disrupt CACNA1S protein function. This variant has not been reported in the literature in individuals affected with CACNA1S-related conditions. This variant is present in population databases (no rsID available, gnomAD 0.002%). This sequence change replaces serine, which is neutral and polar, with leucine, which is neutral and non-polar, at codon 243 of the CACNA1S protein (p.Ser243Leu).

NM_000069.3(CACNA1S):c.728C>T (p.Ser243Leu)

Gene: CACNA1S (calcium voltage-gated channel subunit alpha1 S; minus strand). Cytogenetic location: 1q32.1.
Variant type: single nucleotide variant.
Coding change: c.728C>T on transcript NM_000069.3 (MANE Select); coding-DNA position 728, C replaced by T.
Protein change: p.Ser243Leu; replaces serine 243 with leucine.
Molecular consequence: missense variant.
Genome position (GRCh38, 1-based): chr1:201,089,430, G>A on the plus strand (C>T on the coding strand, the complement: CACNA1S is on the minus strand). VCF-style: chr1-201089430-G-A. GRCh37 (hg19) VCF-style: chr1-201058558-G-A.
Other names: c.728C>T (NM_000069.2); short protein forms S243L.
Identifiers: ClinVar variation 2199119 (VCV002199119.8), dbSNP rs1414181449, ClinGen allele CA344136706.
Genomic context (GRCh38, chr1:201,089,430, plus strand): 5'-CCCCGGCACTCACTGCCATTGATGGTGCACCGGCGCCCTGAGCCCGTCCTGGCGCAGGGC[G>A]ATGGCTCTTCATTCTCCACCGTGGCCACGATATCTGGAGGCAGAAGGCAAAGGGAACATC-3'
Protein context (NP_000060.2, residues 233-253): IVATVENEEP[Ser243Leu]PCARTGSGRR